The following is an entry in ClinVar:

ClinVar aggregate classification (germline): Conflicting classifications of pathogenicity. Review status: criteria provided, conflicting classifications (1 of 4 stars). 3 submissions from 3 submitters: Uncertain significance (1); Likely benign (2). Last evaluated 2025-09-03.

Conditions:
Hereditary cancer-predisposing syndrome. Also called: Hereditary Cancer Syndrome; Hereditary neoplastic syndrome; Neoplastic Syndromes, Hereditary; Tumor predisposition. Identifiers: Orphanet 140162, MedGen C0027672, MeSH D009386, MONDO:0015356.
Hereditary diffuse gastric adenocarcinoma (HDGC). Also called: DIFFUSE GASTRIC AND LOBULAR BREAST CANCER SYNDROME. Identifiers: Orphanet 26106, MedGen C1708349, MONDO:0007648, OMIM 137215.

Allele frequency attached by ClinVar (database versions not stated): gnomAD exomes below 0.00001.
gnomAD v4.1: 1 of 1,614,224 alleles (0.000062%); no homozygotes.

Submissions (3):

Ambry Genetics
Classification: Likely benign for Hereditary cancer-predisposing syndrome. Last evaluated: 2025-09-03. Review status: criteria provided, single submitter. Criteria: Ambry Variant Classification Scheme 2023. Collection method: clinical testing. Allele origin: germline.

Myriad Genetics, Inc.
Classification: Likely benign for Hereditary diffuse gastric adenocarcinoma. Last evaluated: 2024-09-19. Review status: criteria provided, single submitter. Criteria: Myriad Autosomal Dominant, Autosomal Recessive and X-Linked Classification Criteria (2023). Collection method: clinical testing. Allele origin: unknown.
Comment: This variant is considered likely benign. This variant is intronic and is not expected to impact mRNA splicing.

Color Diagnostics, LLC DBA Color Health
Classification: Uncertain significance for Hereditary cancer-predisposing syndrome. Last evaluated: 2019-06-11. Review status: criteria provided, single submitter. Criteria: ACMG Guidelines, 2015. Collection method: clinical testing. Allele origin: germline.

NM_004360.5(CDH1):c.1566-4T>C

Gene: CDH1 (cadherin 1; plus strand). Cytogenetic location: 16q22.1.
Variant type: single nucleotide variant.
Coding change: c.1566-4T>C on transcript NM_004360.5 (MANE Select); 4 bases into the intron before coding-DNA position 1566, T replaced by C.
Molecular consequence: intron variant.
Genome position (GRCh38, 1-based): chr16:68,819,276, T>C. VCF-style: chr16-68819276-T-C. GRCh37 (hg19) VCF-style: chr16-68853179-T-C.
Other names: c.1566-4T>C (NM_004360.3); c.18-4T>C (NM_001317185.2); c.-254-2725T>C (NM_001317186.2); c.1383-4T>C (NM_001317184.2).
Identifiers: ClinVar variation 923302 (VCV000923302.4), dbSNP rs1369028200, ClinGen allele CA623137077.